The following is an entry in ClinVar:

NM_004991.4(MECOM):c.2122T>C (p.Tyr708His)

Gene: MECOM (MDS1 and EVI1 complex locus; minus strand). Cytogenetic location: 3q26.2.
Variant type: single nucleotide variant.
Coding change: c.2122T>C on transcript NM_004991.4 (MANE Select); coding-DNA position 2122, T replaced by C.
Protein change: p.Tyr708His; replaces tyrosine 708 with histidine.
Molecular consequence: missense variant.
Genome position (GRCh38, 1-based): chr3:169,115,750, A>G on the plus strand (T>C on the coding strand, the complement: MECOM is on the minus strand). VCF-style: chr3-169115750-A-G. GRCh37 (hg19) VCF-style: chr3-168833538-A-G.
Other names: c.1753T>C, p.Tyr585His (NM_001105077.4); c.1558T>C, p.Tyr520His (NM_001105078.4, NM_001164000.2, NM_001205194.2 and 4 more transcripts); c.1561T>C, p.Tyr521His (NM_001163999.2, NM_001366467.2, NM_001366468.2 and 1 more transcripts); c.2122T>C, p.Tyr708His (NM_001366466.2); c.1150T>C, p.Tyr384His (NM_001366473.2); c.586T>C, p.Tyr196His (NM_001366474.2); short protein forms Y196H, Y520H, Y585H, Y384H, Y521H, Y708H.
Identifiers: ClinVar variation 3871611 (VCV003871611.1).

ClinVar aggregate classification (germline): Uncertain significance (1 of 4 stars; one submission).

Conditions:
Inborn genetic diseases. Identifiers: MedGen C0950123, MeSH D030342.

gnomAD v4.1: 1 of 1,614,168 alleles (0.000062%); highest among the groups gnomAD compares: Admixed American, 0.0017%; no homozygotes.

Submission:

Ambry Genetics
Classification: Uncertain significance for Inborn genetic diseases. Last evaluated: 2024-12-15. Review status: criteria provided, single submitter. Criteria: Ambry Variant Classification Scheme 2023. Collection method: clinical testing. Allele origin: germline.
Comment: The p.Y708H variant (also known as c.2122T>C), located in coding exon 8 of the MECOM gene, results from a T to C substitution at nucleotide position 2122. The tyrosine at codon 708 is replaced by histidine, an amino acid with similar properties. This amino acid position is conserved. In addition, the in silico prediction for this alteration is inconclusive. Based on the available evidence, the clinical significance of this variant remains unclear.